The following is an entry in ClinVar:

ClinVar aggregate classification (germline): Likely benign (1 of 4 stars; one submission).

Allele frequency attached by ClinVar (database versions not stated): TOPMed 0.00003; 1000 Genomes Project 0.00060; 1000 Genomes Project 30x 0.00062; gnomAD 0.00003.
gnomAD v4.1: 83 of 1,613,936 alleles (0.0051%); highest among the groups gnomAD compares: Middle Eastern, 0.017%; 1 homozygote.

Submission:

CeGaT Center for Human Genetics Tuebingen
Classification: Likely benign. Last evaluated: 2023-01-01. Review status: criteria provided, single submitter. Criteria: CeGaT Center For Human Genetics Tuebingen Variant Classification Criteria Version 2. Collection method: clinical testing. Allele origin: germline. Affected: yes. Observed: 1 variant allele.
Comment: FAT3: BP4, BP7

NM_001367949.2(FAT3):c.8820C>T (p.Gly2940=)

Gene: FAT3 (FAT atypical cadherin 3; plus strand). Cytogenetic location: 11q14.3.
Variant type: single nucleotide variant.
Coding change: c.8820C>T on transcript NM_001367949.2 (MANE Select); coding-DNA position 8820, C replaced by T.
Protein change: p.Gly2940=; no amino-acid change (glycine 2940 retained).
Molecular consequence: synonymous variant.
Genome position (GRCh38, 1-based): chr11:92,801,833, C>T. VCF-style: chr11-92801833-C-T. GRCh37 (hg19) VCF-style: chr11-92534999-C-T.
Other names: c.8820C>T, p.Gly2940= (NM_001008781.3).
Identifiers: ClinVar variation 2642277 (VCV002642277.24), dbSNP rs149644914, ClinGen allele CA6227710.